The following is an entry in ClinVar:

NM_201596.3(CACNB2):c.1114G>A (p.Val372Ile)

Gene: CACNB2 (calcium voltage-gated channel auxiliary subunit beta 2; plus strand). Cytogenetic location: 10p12.31.
Variant type: single nucleotide variant.
Coding change: c.1114G>A on transcript NM_201596.3 (MANE Select); coding-DNA position 1114, G replaced by A.
Protein change: p.Val372Ile; replaces valine 372 with isoleucine.
Molecular consequence: missense variant.
Genome position (GRCh38, 1-based): chr10:18,534,135, G>A. VCF-style: chr10-18534135-G-A. GRCh37 (hg19) VCF-style: chr10-18823064-G-A.
Other names: c.949G>A, p.Val317Ile (NM_000724.4); c.916G>A, p.Val306Ile (NM_001167945.2); c.835G>A, p.Val279Ile (NM_001330060.2); c.856G>A, p.Val286Ile (NM_001410882.1); c.970G>A, p.Val324Ile (NM_201570.3); c.1030G>A, p.Val344Ile (NM_201571.4); c.958G>A, p.Val320Ile (NM_201572.4); c.952G>A, p.Val318Ile (NM_201590.3); and 2 more; short protein forms V286I, V317I, V324I, V334I, V348I, V306I, V320I, V318I.
Identifiers: ClinVar variation 2562821 (VCV002562821.4), dbSNP rs2494777916, ClinGen allele CA376067755.

ClinVar aggregate classification (germline): Uncertain significance. Review status: criteria provided, multiple submitters, no conflicts (2 of 4 stars). 2 submissions from 2 submitters: Uncertain significance (2). Last evaluated 2024-10-16.

Conditions:
Cardiovascular phenotype. Identifiers: MedGen CN230736.
Brugada syndrome 4 (BRGDA4). Identifiers: Orphanet 130, MedGen C2678477, MONDO:0012743, OMIM 611876.

Allele frequency attached by ClinVar (database versions not stated): gnomAD exomes below 0.00001.
gnomAD v4.1: 2 of 1,613,954 alleles (0.00012%); highest among the groups gnomAD compares: Non-Finnish European, 0.000085%; no homozygotes.

Submissions (2):

Labcorp Genetics (formerly Invitae), Labcorp
Classification: Uncertain significance for Brugada syndrome 4. Last evaluated: 2024-10-16. Review status: criteria provided, single submitter. Criteria: Invitae Variant Classification Sherloc (09022015). Collection method: clinical testing. Allele origin: germline.
Comment: This sequence change replaces valine, which is neutral and non-polar, with isoleucine, which is neutral and non-polar, at codon 318 of the CACNB2 protein (p.Val318Ile). This variant is not present in population databases (gnomAD no frequency). This variant has not been reported in the literature in individuals affected with CACNB2-related conditions. ClinVar contains an entry for this variant (Variation ID: 2562821). Invitae Evidence Modeling of protein sequence and biophysical properties (such as structural, functional, and spatial information, amino acid conservation, physicochemical variation, residue mobility, and thermodynamic stability) indicates that this missense variant is not expected to disrupt CACNB2 protein function with a negative predictive value of 80%. In summary, the available evidence is currently insufficient to determine the role of this variant in disease. Therefore, it has been classified as a Variant of Uncertain Significance.

Ambry Genetics
Classification: Uncertain significance for Cardiovascular phenotype. Last evaluated: 2023-04-13. Review status: criteria provided, single submitter. Criteria: Ambry Variant Classification Scheme 2023. Collection method: clinical testing. Allele origin: germline.
Comment: The p.V318I variant (also known as c.952G>A), located in coding exon 10 of the CACNB2 gene, results from a G to A substitution at nucleotide position 952. The valine at codon 318 is replaced by isoleucine, an amino acid with highly similar properties. This amino acid position is conserved. In addition, the in silico prediction for this alteration is inconclusive. Since supporting evidence is limited at this time, the clinical significance of this alteration remains unclear.